The following is an entry in ClinVar:

NM_001852.4(COL9A2):c.151G>A (p.Gly51Ser)

Gene: COL9A2 (collagen type IX alpha 2 chain; minus strand). Cytogenetic location: 1p34.2.
Variant type: single nucleotide variant.
Coding change: c.151G>A on transcript NM_001852.4 (MANE Select); coding-DNA position 151, G replaced by A.
Protein change: p.Gly51Ser; replaces glycine 51 with serine.
Molecular consequence: missense variant.
Genome position (GRCh38, 1-based): chr1:40,314,387, C>T on the plus strand (G>A on the coding strand, the complement: COL9A2 is on the minus strand). VCF-style: chr1-40314387-C-T. GRCh37 (hg19) VCF-style: chr1-40780059-C-T.
Other names: short protein forms G51S.
Identifiers: ClinVar variation 2612693 (VCV002612693.5), dbSNP rs1296663925, ClinGen allele CA339858794.
Genomic context (GRCh38, chr1:40,314,387, plus strand): 5'-AGGCCAAAGAGGATAAAGCACTCACCGGAGGGCCAGCTTTTCCAGGGGGCCCATTGTCAC[C>T]CTGCAAGATACAAGTTGGTGAGACAGCACACTACGGCTCACACTACCCCAAGTGGGCACA-3'
Protein context (NP_001843.1, residues 41-61): PGVPGSDGID[Gly51Ser]DNGPPGKAGP

ClinVar aggregate classification (germline): Uncertain significance. Review status: criteria provided, multiple submitters, no conflicts (2 of 4 stars). 2 submissions from 2 submitters: Uncertain significance (2). Last evaluated 2025-09-03.

Conditions:
Inborn genetic diseases. Identifiers: MedGen C0950123, MeSH D030342.

Allele frequency attached by ClinVar (database versions not stated): gnomAD 0.00002.
gnomAD v4.1: 10 of 1,614,030 alleles (0.00062%); highest among the groups gnomAD compares: Non-Finnish European, 0.00085%; no homozygotes.

Submissions (2):

Labcorp Genetics (formerly Invitae), Labcorp
Classification: Uncertain significance. Last evaluated: 2025-09-03. Review status: criteria provided, single submitter. Criteria: Invitae Variant Classification Sherloc (09022015). Collection method: clinical testing. Allele origin: germline.
Comment: This sequence change replaces glycine, which is neutral and non-polar, with serine, which is neutral and polar, at codon 51 of the COL9A2 protein (p.Gly51Ser). This variant is present in population databases (no rsID available, gnomAD 0.002%). This variant has not been reported in the literature in individuals affected with COL9A2-related conditions. ClinVar contains an entry for this variant (Variation ID: 2612693). Experimental studies and prediction algorithms are not available or were not evaluated, and the functional significance of this variant is currently unknown. In summary, the available evidence is currently insufficient to determine the role of this variant in disease. Therefore, it has been classified as a Variant of Uncertain Significance.

Ambry Genetics
Classification: Uncertain significance for Inborn genetic diseases. Last evaluated: 2023-07-19. Review status: criteria provided, single submitter. Criteria: Ambry Variant Classification Scheme 2023. Collection method: clinical testing. Allele origin: germline.